The following is an entry in ClinVar:

ClinVar aggregate classification (germline): Likely benign. Review status: criteria provided, multiple submitters, no conflicts (2 of 4 stars). 3 submissions from 3 submitters: Likely benign (2). 1 of the submissions does not count toward it. Last evaluated 2025-02-18.

Conditions:
LTBP3-related disorder. Also called: LTBP3-related condition.
Inborn genetic diseases. Identifiers: MedGen C0950123, MeSH D030342.
Brachyolmia-amelogenesis imperfecta syndrome. Also called: Tooth agenesis, selective, 6; Dental anomalies and short stature; PLATYSPONDYLY WITH AMELOGENESIS IMPERFECTA. Identifiers: Orphanet 2899, MedGen C1832594, MONDO:0011018, OMIM 601216. Disease mechanism: loss of function.

Allele frequency attached by ClinVar (database versions not stated): TOPMed 0.00002; ExAC 0.00002; gnomAD exomes 0.00001; gnomAD 0.00003.
gnomAD v4.1: 15 of 1,613,850 alleles (0.00093%); highest among the groups gnomAD compares: African/African-American, 0.004%; no homozygotes.

Submissions (3):

Labcorp Genetics (formerly Invitae), Labcorp
Classification: Likely benign for Brachyolmia-amelogenesis imperfecta syndrome. Last evaluated: 2025-02-18. Review status: criteria provided, single submitter. Criteria: Invitae Variant Classification Sherloc (09022015). Collection method: clinical testing. Allele origin: germline.

Ambry Genetics
Classification: Likely benign for Inborn genetic diseases. Last evaluated: 2019-11-24. Review status: criteria provided, single submitter. Criteria: Ambry Variant Classification Scheme 2023. Collection method: clinical testing. Allele origin: germline.

PreventionGenetics, part of Exact Sciences
Classification: Likely benign for LTBP3-related condition. Last evaluated: 2021-03-30. Review status: no assertion criteria provided. Collection method: clinical testing. Allele origin: germline. Not counted in ClinVar's aggregate classification.
Comment: This variant is classified as likely benign based on ACMG/AMP sequence variant interpretation guidelines (Richards et al. 2015 PMID: 25741868, with internal and published modifications).

NM_001130144.3(LTBP3):c.1482G>A (p.Pro494=)

Gene: LTBP3 (latent transforming growth factor beta binding protein 3; minus strand). Cytogenetic location: 11q13.1.
Variant type: single nucleotide variant.
Coding change: c.1482G>A on transcript NM_001130144.3 (MANE Select); coding-DNA position 1482, G replaced by A.
Protein change: p.Pro494=; no amino-acid change (proline 494 retained).
Molecular consequence: synonymous variant.
Genome position (GRCh38, 1-based): chr11:65,552,021, C>T on the plus strand (G>A on the coding strand, the complement: LTBP3 is on the minus strand). VCF-style: chr11-65552021-C-T. GRCh37 (hg19) VCF-style: chr11-65319492-C-T.
Other names: c.1131G>A, p.Pro377= (NM_001164266.1); c.1482G>A, p.Pro494= (NM_021070.4).
Identifiers: ClinVar variation 1773600 (VCV001773600.7), dbSNP rs773314757, ClinGen allele CA6100977.